The following is an entry in ClinVar:

ClinVar aggregate classification (germline): Uncertain significance. Review status: criteria provided, multiple submitters, no conflicts (2 of 4 stars). 2 submissions from 2 submitters: Uncertain significance (2). Last evaluated 2025-08-30.

Conditions:
Arrhythmogenic right ventricular dysplasia 13. Also called: ARRHYTHMOGENIC RIGHT VENTRICULAR CARDIOMYOPATHY 13; Arrhythmogenic right ventricular dysplasia, familial, 13. Identifiers: MedGen C3810138, MONDO:0000908, OMIM 615616.

gnomAD v4.1: 2 of 1,614,152 alleles (0.00012%); highest among the groups gnomAD compares: Non-Finnish European, 0.00017%; no homozygotes.

Submissions (2):

Labcorp Genetics (formerly Invitae), Labcorp
Classification: Uncertain significance for Arrhythmogenic right ventricular dysplasia 13. Last evaluated: 2025-08-30. Review status: criteria provided, single submitter. Criteria: Invitae Variant Classification Sherloc (09022015). Collection method: clinical testing. Allele origin: germline.
Comment: This sequence change replaces glutamic acid, which is acidic and polar, with lysine, which is basic and polar, at codon 74 of the CTNNA3 protein (p.Glu74Lys). This variant is not present in population databases (gnomAD no frequency). This variant has not been reported in the literature in individuals affected with CTNNA3-related conditions. Invitae Evidence Modeling of protein sequence and biophysical properties (such as structural, functional, and spatial information, amino acid conservation, physicochemical variation, residue mobility, and thermodynamic stability) indicates that this missense variant is not expected to disrupt CTNNA3 protein function with a negative predictive value of 80%. In summary, the available evidence is currently insufficient to determine the role of this variant in disease. Therefore, it has been classified as a Variant of Uncertain Significance.

Blueprint Genetics
Classification: Uncertain significance. Last evaluated: 2018-10-09. Review status: criteria provided, single submitter. Criteria: ACMG Guidelines, 2015. Collection method: clinical testing. Allele origin: germline.

NM_013266.4(CTNNA3):c.220G>A (p.Glu74Lys)

Gene: CTNNA3 (catenin alpha 3; minus strand). Cytogenetic location: 10q21.3.
Variant type: single nucleotide variant.
Coding change: c.220G>A on transcript NM_013266.4 (MANE Select); coding-DNA position 220, G replaced by A.
Protein change: p.Glu74Lys; replaces glutamic acid 74 with lysine.
Molecular consequence: missense variant.
Genome position (GRCh38, 1-based): chr10:67,606,929, C>T on the plus strand (G>A on the coding strand, the complement: CTNNA3 is on the minus strand). VCF-style: chr10-67606929-C-T. GRCh37 (hg19) VCF-style: chr10-69366687-C-T.
Other names: c.220G>A, p.Glu74Lys (NM_001127384.3); c.256G>A, p.Glu86Lys (NM_001291133.2); short protein forms E74K, E86K.
Identifiers: ClinVar variation 4806106 (VCV004806106.2).